The following is an entry in ClinVar:

ClinVar aggregate classification (germline): Likely benign. Review status: criteria provided, multiple submitters, no conflicts (2 of 4 stars). 2 submissions from 2 submitters: Likely benign (2). Last evaluated 2026-06-01.

Conditions:
Muscle AMP deaminase deficiency (MMDD). Also called: ADENOSINE MONOPHOSPHATE DEAMINASE-1 DEFICIENCY, MYOPATHY DUE TO; AMPD1 DEFICIENCY; Myoadenylate deaminase deficiency, myopathy due to; Adenosine monophosphate deaminase 1 deficiency; AMP deaminase 1 deficiency; Adenosine Monophosphate Deaminase 1. Identifiers: Orphanet 45, MedGen C3714933, MONDO:0014220, OMIM 615511.

Allele frequency attached by ClinVar (database versions not stated): TOPMed 0.00003.
gnomAD v4.1: 38 of 1,614,040 alleles (0.0024%); highest among the groups gnomAD compares: East Asian, 0.02%; no homozygotes.

Submissions (2):

CeGaT Center for Human Genetics Tuebingen
Classification: Likely benign. Last evaluated: 2026-06-01. Review status: criteria provided, single submitter. Criteria: CeGaT Center For Human Genetics Tuebingen Variant Classification Criteria Version 2. Collection method: clinical testing. Allele origin: germline. Affected: yes. Observed: 1 variant allele.
Comment: AMPD1: BP4, BP7

Labcorp Genetics (formerly Invitae), Labcorp
Classification: Likely benign for Muscle AMP deaminase deficiency. Last evaluated: 2025-12-22. Review status: criteria provided, single submitter. Criteria: Invitae Variant Classification Sherloc (09022015). Collection method: clinical testing. Allele origin: germline.

NM_000036.3(AMPD1):c.333C>T (p.Thr111=)

Gene: AMPD1 (adenosine monophosphate deaminase 1; minus strand). Cytogenetic location: 1p13.2.
Variant type: single nucleotide variant.
Coding change: c.333C>T on transcript NM_000036.3 (MANE Select); coding-DNA position 333, C replaced by T.
Protein change: p.Thr111=; no amino-acid change (threonine 111 retained).
Molecular consequence: synonymous variant.
Genome position (GRCh38, 1-based): chr1:114,686,793, G>A on the plus strand (C>T on the coding strand, the complement: AMPD1 is on the minus strand). VCF-style: chr1-114686793-G-A. GRCh37 (hg19) VCF-style: chr1-115229414-G-A.
Other names: c.321C>T, p.Thr107= (NM_001172626.2).
Identifiers: ClinVar variation 1609361 (VCV001609361.10), dbSNP rs138479739, ClinGen allele CA1020465.